The following is an entry in ClinVar:

NM_007194.4(CHEK2):c.956T>G (p.Leu319Arg)

Gene: CHEK2 (checkpoint kinase 2; minus strand). Cytogenetic location: 22q12.1.
Variant type: single nucleotide variant.
Coding change: c.956T>G on transcript NM_007194.4 (MANE Select); coding-DNA position 956, T replaced by G.
Protein change: p.Leu319Arg; replaces leucine 319 with arginine.
Molecular consequence: missense variant.
Genome position (GRCh38, 1-based): chr22:28,699,890, A>C on the plus strand (T>G on the coding strand, the complement: CHEK2 is on the minus strand). VCF-style: chr22-28699890-A-C. GRCh37 (hg19) VCF-style: chr22-29095878-A-C.
Other names: c.1085T>G, p.Leu362Arg (NM_001005735.3); c.293T>G, p.Leu98Arg (NM_001257387.3); c.755T>G, p.Leu252Arg (NM_001349956.3); c.956T>G, p.Leu319Arg (NM_145862.3); short protein forms L252R, L319R, L362R, L98R.
Identifiers: ClinVar variation 1010416 (VCV001010416.9), dbSNP rs766794072, ClinGen allele CA411099849.

ClinVar aggregate classification (germline): Uncertain significance (1 of 4 stars; one submission).

Conditions:
Familial cancer of breast. Also called: BREAST CANCER, FAMILIAL; Hereditary breast cancer; hereditary breast carcinoma. Identifiers: Orphanet 227535, MedGen C0346153, MONDO:0016419, OMIM 114480. Disease mechanism: loss of function.

Submission:

Labcorp Genetics (formerly Invitae), Labcorp
Classification: Uncertain significance for Familial cancer of breast. Last evaluated: 2021-07-01. Review status: criteria provided, single submitter. Criteria: Invitae Variant Classification Sherloc (09022015). Collection method: clinical testing. Allele origin: germline.
Comment: This sequence change replaces leucine with arginine at codon 319 of the CHEK2 protein (p.Leu319Arg). The leucine residue is highly conserved and there is a moderate physicochemical difference between leucine and arginine. This variant is not present in population databases (ExAC no frequency). This variant has not been reported in the literature in individuals affected with CHEK2-related conditions. ClinVar contains an entry for this variant (Variation ID: 1010416). Algorithms developed to predict the effect of missense changes on protein structure and function are either unavailable or do not agree on the potential impact of this missense change (SIFT: "Deleterious"; PolyPhen-2: "Possibly Damaging"; Align-GVGD: "Class C0"). In summary, the available evidence is currently insufficient to determine the role of this variant in disease. Therefore, it has been classified as a Variant of Uncertain Significance.